The following is an entry in ClinVar:

ClinVar aggregate classification (germline): Likely benign (1 of 4 stars; one submission).

Submission:

CeGaT Center for Human Genetics Tuebingen
Classification: Likely benign. Last evaluated: 2026-01-01. Review status: criteria provided, single submitter. Criteria: CeGaT Center For Human Genetics Tuebingen Variant Classification Criteria Version 2. Collection method: clinical testing. Allele origin: germline. Affected: yes. Observed: 1 variant allele.
Comment: MUC5B: BP4, BP7

NM_002458.3(MUC5B):c.11964C>T (p.Ser3988=)

Genes: MUC5B (mucin 5B, oligomeric mucus/gel-forming; plus strand), MUC5B-AS1 (MUC5B antisense RNA 1; minus strand). Cytogenetic location: 11p15.5.
Variant type: single nucleotide variant.
Coding change: c.11964C>T on transcript NM_002458.3 (MANE Select); coding-DNA position 11964, C replaced by T.
Protein change: p.Ser3988=; no amino-acid change (serine 3988 retained).
Molecular consequence: synonymous variant.
Genome position (GRCh38, 1-based): chr11:1,248,844, C>T. VCF-style: chr11-1248844-C-T. GRCh37 (hg19) VCF-style: chr11-1270074-C-T.
Identifiers: ClinVar variation 4820793 (VCV004820793.4).